The following is an entry in ClinVar:

ClinVar aggregate classification (germline): Uncertain significance (1 of 4 stars; one submission).

Allele frequency attached by ClinVar (database versions not stated): TOPMed 0.00001.
gnomAD v4.1: 11 of 1,613,670 alleles (0.00068%); highest among the groups gnomAD compares: Non-Finnish European, 0.00085%; no homozygotes.

Submission:

GeneDx
Classification: Uncertain significance. Last evaluated: 2022-08-23. Review status: criteria provided, single submitter. Criteria: GeneDx Variant Classification Process June 2021. Collection method: clinical testing. Allele origin: germline. Affected: yes.
Comment: Not observed at significant frequency in large population cohorts (gnomAD); In silico analysis supports that this missense variant has a deleterious effect on protein structure/function; Has not been previously published as pathogenic or benign to our knowledge

NM_001162501.2(TNRC6B):c.1829G>A (p.Arg610Gln)

Gene: TNRC6B (trinucleotide repeat containing adaptor 6B; plus strand). Cytogenetic location: 22q13.1.
Variant type: single nucleotide variant.
Coding change: c.1829G>A on transcript NM_001162501.2 (MANE Select); coding-DNA position 1829, G replaced by A.
Protein change: p.Arg610Gln; replaces arginine 610 with glutamine.
Molecular consequence: missense variant. On other transcripts: intron variant (1).
Genome position (GRCh38, 1-based): chr22:40,266,059, G>A. VCF-style: chr22-40266059-G-A. GRCh37 (hg19) VCF-style: chr22-40662063-G-A.
Other names: c.1829G>A, p.Arg610Gln (NM_015088.3); c.565+3886G>A (NM_001024843.2); short protein forms R610Q.
Identifiers: ClinVar variation 2430675 (VCV002430675.1), dbSNP rs2070474634, ClinGen allele CA411631095.